The following is an entry in ClinVar:

NM_004415.4(DSP):c.3835G>A (p.Ala1279Thr)

Gene: DSP (desmoplakin; plus strand). Cytogenetic location: 6p24.3.
Variant type: single nucleotide variant.
Coding change: c.3835G>A on transcript NM_004415.4 (MANE Select); coding-DNA position 3835, G replaced by A.
Protein change: p.Ala1279Thr; replaces alanine 1279 with threonine.
Molecular consequence: missense variant. On other transcripts: intron variant (1).
Genome position (GRCh38, 1-based): chr6:7,580,025, G>A. VCF-style: chr6-7580025-G-A. GRCh37 (hg19) VCF-style: chr6-7580258-G-A.
Other names: c.3835G>A, p.Ala1279Thr (NM_001319034.2); c.3582+253G>A (NM_001008844.3); short protein forms A1279T.
Identifiers: ClinVar variation 228640 (VCV000228640.15), dbSNP rs763915365, ClinGen allele CA039160.

ClinVar aggregate classification (germline): Uncertain significance. Review status: criteria provided, multiple submitters, no conflicts (2 of 4 stars). 6 submissions from 6 submitters: Uncertain significance (6). Last evaluated 2025-12-26.

Conditions:
Arrhythmogenic right ventricular dysplasia 8 (ARVD8). Also called: Arrhythmogenic Right Ventricular Dysplasia/Cardiomyopathy 8; ARRHYTHMOGENIC RIGHT VENTRICULAR DYSPLASIA, FAMILIAL, 8; ARRHYTHMOGENIC RIGHT VENTRICULAR CARDIOMYOPATHY 8. Identifiers: MedGen C1843896, MONDO:0011831, OMIM 607450.
Arrhythmogenic cardiomyopathy with wooly hair and keratoderma. Also called: Carvajal syndrome; Dilated cardiomyopathy with woolly hair and keratoderma; Arrhythmogenic cardiomyopathy with woolly hair and keratoderma; PALMOPLANTAR KERATODERMA WITH LEFT VENTRICULAR CARDIOMYOPATHY AND WOOLLY HAIR. Identifiers: Orphanet 65282, MedGen C1854063, MONDO:0011581, OMIM 605676.
Cardiovascular phenotype. Identifiers: MedGen CN230736.
Cardiomyopathy (CMYO). Also called: Cardiomyopathies. Identifiers: Orphanet 167848, MedGen C0878544, MONDO:0004994, HP:0001638. Inheritance: Various modes of inheritance.

Allele frequency attached by ClinVar (database versions not stated): ExAC 0.00001; gnomAD 0.00002; TOPMed 0.00002.
gnomAD v4.1: 38 of 1,614,010 alleles (0.0024%); highest among the groups gnomAD compares: Non-Finnish European, 0.0031%; no homozygotes.

Submissions (6):

Color Diagnostics, LLC DBA Color Health
Classification: Uncertain significance for Cardiomyopathy. Last evaluated: 2025-12-26. Review status: criteria provided, single submitter. Criteria: ACMG Guidelines, 2015. Collection method: clinical testing. Allele origin: germline.
Comment: This missense variant replaces alanine with threonine at codon 1279 of the DSP protein. Computational prediction suggests that this variant may not impact protein structure and function. To our knowledge, functional studies have not been reported for this variant. This variant has not been reported in individuals affected with cardiovascular disorders in the literature. This variant has been identified in 2/250836 chromosomes in the general population by the Genome Aggregation Database (gnomAD). The available evidence is insufficient to determine the role of this variant in disease conclusively. Therefore, this variant is classified as a Variant of Uncertain Significance.

Labcorp Genetics (formerly Invitae), Labcorp
Classification: Uncertain significance for Arrhythmogenic cardiomyopathy with wooly hair and keratoderma; Arrhythmogenic right ventricular dysplasia 8. Last evaluated: 2025-08-29. Review status: criteria provided, single submitter. Criteria: Invitae Variant Classification Sherloc (09022015). Collection method: clinical testing. Allele origin: germline.
Comment: This sequence change replaces alanine, which is neutral and non-polar, with threonine, which is neutral and polar, at codon 1279 of the DSP protein (p.Ala1279Thr). This variant is present in population databases (rs763915365, gnomAD 0.002%). This variant has not been reported in the literature in individuals affected with DSP-related conditions. ClinVar contains an entry for this variant (Variation ID: 228640). An algorithm developed to predict the effect of missense changes on protein structure and function (PolyPhen-2) suggests that this variant is likely to be disruptive. In summary, the available evidence is currently insufficient to determine the role of this variant in disease. Therefore, it has been classified as a Variant of Uncertain Significance.

GeneDx
Classification: Uncertain significance. Last evaluated: 2022-03-15. Review status: criteria provided, single submitter. Criteria: GeneDx Variant Classification Process June 2021. Collection method: clinical testing. Allele origin: germline. Affected: yes.
Comment: Not observed at significant frequency in large population cohorts (gnomAD); In silico analysis supports that this missense variant does not alter protein structure/function; Has not been previously published as pathogenic or benign to our knowledge

Ambry Genetics
Classification: Uncertain significance for Cardiovascular phenotype. Last evaluated: 2021-08-26. Review status: criteria provided, single submitter. Criteria: Ambry Variant Classification Scheme 2023. Collection method: clinical testing. Allele origin: germline.
Comment: The p.A1279T variant (also known as c.3835G>A), located in coding exon 23 of the DSP gene, results from a G to A substitution at nucleotide position 3835. The alanine at codon 1279 is replaced by threonine, an amino acid with similar properties. This amino acid position is conserved. In addition, the in silico prediction for this alteration is inconclusive. Since supporting evidence is limited at this time, the clinical significance of this alteration remains unclear.

Blueprint Genetics
Classification: Uncertain significance. Last evaluated: 2019-12-17. Review status: criteria provided, single submitter. Criteria: ACMG Guidelines, 2015. Collection method: clinical testing. Allele origin: germline.

Laboratory for Molecular Medicine, Mass General Brigham Personalized Medicine
Classification: Uncertain significance. Last evaluated: 2018-04-10. Review status: criteria provided, single submitter. Criteria: LMM Criteria. Collection method: clinical testing. Allele origin: germline. Observed: 1 variant allele.
Comment: proposed classification - variant undergoing re-assessment, contact laboratory